The following is an entry in ClinVar:

NM_014363.6(SACS):c.156G>A (p.Trp52Ter)

Genes: SACS (sacsin molecular chaperone; minus strand), LOC130009366 (ATAC-STARR-seq lymphoblastoid silent region 5172; plus strand). Cytogenetic location: 13q12.12.
Variant type: single nucleotide variant.
Coding change: c.156G>A on transcript NM_014363.6 (MANE Select); coding-DNA position 156, G replaced by A.
Protein change: p.Trp52Ter; replaces tryptophan 52 with a stop codon.
Molecular consequence: nonsense. On other transcripts: 5 prime UTR variant (1).
Genome position (GRCh38, 1-based): chr13:23,375,134, C>T on the plus strand (G>A on the coding strand, the complement: SACS is on the minus strand). VCF-style: chr13-23375134-C-T. GRCh37 (hg19) VCF-style: chr13-23949273-C-T.
Other names: c.-198G>A (NM_001278055.2); c.156G>A, p.Trp52Ter (NM_001437336.1); short protein forms W52*.
Identifiers: ClinVar variation 5012914 (VCV005012914.1).

ClinVar aggregate classification (germline): Pathogenic (1 of 4 stars; one submission).

Conditions:
Charlevoix-Saguenay spastic ataxia (SACS). Also called: AUTOSOMAL RECESSIVE SPASTIC ATAXIA OF CHARLEVOIX-SAGUENAY; Spastic ataxia of Charlevoix-Saguenay; SPASTIC ATAXIA 6, AUTOSOMAL RECESSIVE. Identifiers: Orphanet 98, MedGen C1849140, MONDO:0010041, OMIM 270550.

gnomAD v4.1: 1 of 1,499,566 alleles (0.000067%); highest among the groups gnomAD compares: Non-Finnish European, 0.000089%; no homozygotes.

Submission:

Myriad Genetics, Inc.
Classification: Pathogenic for Charlevoix-Saguenay spastic ataxia. Last evaluated: 2024-01-08. Review status: criteria provided, single submitter. Criteria: Myriad Autosomal Dominant, Autosomal Recessive and X-Linked Classification Criteria (2023). Collection method: clinical testing. Allele origin: unknown.
Comment: NM_014363.4(SACS):c.156G>A(W52*) is expected to be pathogenic in the context of autosomal recessive spastic ataxia of Charlevoix-Saguenay. This variant is predicted to lead to an abnormal or absent protein product due to the creation of a premature termination codon in SACS, a gene where loss-of-function variants are known to be pathogenic. Please note: this variant was assessed in the context of healthy population screening.